The following is an entry in ClinVar:

NM_000057.4(BLM):c.256G>C (p.Val86Leu)

Gene: BLM (BLM RecQ like helicase; plus strand). Cytogenetic location: 15q26.1.
Variant type: single nucleotide variant.
Coding change: c.256G>C on transcript NM_000057.4 (MANE Select); coding-DNA position 256, G replaced by C.
Protein change: p.Val86Leu; replaces valine 86 with leucine.
Molecular consequence: missense variant. On other transcripts: 5 prime UTR variant (1).
Genome position (GRCh38, 1-based): chr15:90,749,524, G>C. VCF-style: chr15-90749524-G-C. GRCh37 (hg19) VCF-style: chr15-91292754-G-C.
Other names: c.256G>C (NM_000057.2); c.256G>C, p.Val86Leu (NM_001287246.2, NM_001287247.2); c.-1036G>C (NM_001287248.2); short protein forms V86L.
Identifiers: ClinVar variation 662620 (VCV000662620.15), dbSNP rs1596218041, ClinGen allele CA393840003.
Genomic context (GRCh38, chr15:90,749,524, plus strand): 5'-AATGTTACCGAAGACTTTTCCTTCAGTGAACCTCTACCCAACACCACAAATCAGCAAAGG[G>C]TCAAGGACTTCTTTAAAAATGCTCCAGCAGGACAGGAAACACAGAGAGGTGGATCAAAAT-3'
Protein context (NP_000048.1, residues 76-96): PLPNTTNQQR[Val86Leu]KDFFKNAPAG

ClinVar aggregate classification (germline): Conflicting classifications of pathogenicity. Review status: criteria provided, conflicting classifications (1 of 4 stars). 3 submissions from 3 submitters: Uncertain significance (1); Likely benign (1). 1 of the submissions does not count toward it. Last evaluated 2025-08-25.

Conditions:
Hereditary cancer-predisposing syndrome. Also called: Neoplastic Syndromes, Hereditary; Tumor predisposition; Hereditary neoplastic syndrome; Hereditary Cancer Syndrome. Identifiers: Orphanet 140162, MedGen C0027672, MeSH D009386, MONDO:0015356.
Bloom syndrome (BLM). Also called: Bloom-Torre-Machacek syndrome. Identifiers: Orphanet 125, MedGen C0005859, MONDO:0008876, OMIM 210900.

Submissions (3):

Labcorp Genetics (formerly Invitae), Labcorp
Classification: Uncertain significance for Bloom syndrome. Last evaluated: 2025-08-25. Review status: criteria provided, single submitter. Criteria: Invitae Variant Classification Sherloc (09022015). Collection method: clinical testing. Allele origin: germline.
Comment: This sequence change replaces valine, which is neutral and non-polar, with leucine, which is neutral and non-polar, at codon 86 of the BLM protein (p.Val86Leu). This variant is not present in population databases (gnomAD no frequency). This variant has not been reported in the literature in individuals affected with BLM-related conditions. ClinVar contains an entry for this variant (Variation ID: 662620). An algorithm developed to predict the effect of missense changes on protein structure and function outputs the following: PolyPhen-2: "Benign". The leucine amino acid residue is found in multiple mammalian species, which suggests that this missense change does not adversely affect protein function. In summary, the available evidence is currently insufficient to determine the role of this variant in disease. Therefore, it has been classified as a Variant of Uncertain Significance.

Ambry Genetics
Classification: Likely benign for Hereditary cancer-predisposing syndrome. Last evaluated: 2024-03-14. Review status: criteria provided, single submitter. Criteria: Ambry Variant Classification Scheme 2023. Collection method: clinical testing. Allele origin: germline.

Natera, Inc.
Classification: Uncertain significance for Bloom syndrome. Last evaluated: 2018-12-08. Review status: no assertion criteria provided. Collection method: clinical testing. Allele origin: germline. Not counted in ClinVar's aggregate classification.